The following is an entry in ClinVar:

NM_021942.6(TRAPPC11):c.2874T>G (p.Ser958Arg)

Gene: TRAPPC11 (trafficking protein particle complex subunit 11; plus strand). Cytogenetic location: 4q35.1.
Variant type: single nucleotide variant.
Coding change: c.2874T>G on transcript NM_021942.6 (MANE Select); coding-DNA position 2874, T replaced by G.
Protein change: p.Ser958Arg; replaces serine 958 with arginine.
Molecular consequence: missense variant.
Genome position (GRCh38, 1-based): chr4:183,701,719, T>G. VCF-style: chr4-183701719-T-G. GRCh37 (hg19) VCF-style: chr4-184622872-T-G.
Other names: c.2874T>G, p.Ser958Arg (NM_199053.3); short protein forms S958R.
Identifiers: ClinVar variation 2158209 (VCV002158209.2), dbSNP rs748050714, ClinGen allele CA3152369.

ClinVar aggregate classification (germline): Uncertain significance (1 of 4 stars; one submission).

Conditions:
Autosomal recessive limb-girdle muscular dystrophy type R18 (LGMDR18). Also called: Limb-girdle muscular dystrophy, type 2S; MUSCULAR DYSTROPHY, LIMB-GIRDLE, AUTOSOMAL RECESSIVE 18; Autosomal recessive limb-girdle muscular dystrophy type 2S. Identifiers: Orphanet 369840, MedGen C4517996, MONDO:0014144, OMIM 615356.

gnomAD v4.1: 13 of 1,613,418 alleles (0.00081%); highest among the groups gnomAD compares: African/African-American, 0.013%; no homozygotes.

Submission:

Labcorp Genetics (formerly Invitae), Labcorp
Classification: Uncertain significance for Autosomal recessive limb-girdle muscular dystrophy type R18. Last evaluated: 2022-07-05. Review status: criteria provided, single submitter. Criteria: Invitae Variant Classification Sherloc (09022015). Collection method: clinical testing. Allele origin: germline.
Comment: In summary, the available evidence is currently insufficient to determine the role of this variant in disease. Therefore, it has been classified as a Variant of Uncertain Significance. Algorithms developed to predict the effect of missense changes on protein structure and function are either unavailable or do not agree on the potential impact of this missense change (SIFT: "Tolerated"; PolyPhen-2: "Probably Damaging"; Align-GVGD: "Class C0"). This variant has not been reported in the literature in individuals affected with TRAPPC11-related conditions. This variant is present in population databases (rs748050714, gnomAD 0.03%). This sequence change replaces serine, which is neutral and polar, with arginine, which is basic and polar, at codon 958 of the TRAPPC11 protein (p.Ser958Arg).